The following is an entry in ClinVar:

ClinVar aggregate classification (germline): Uncertain significance. Review status: criteria provided, multiple submitters, no conflicts (2 of 4 stars). 2 submissions from 2 submitters: Uncertain significance (2). Last evaluated 2023-12-04.

Conditions:
Hereditary breast ovarian cancer syndrome. Also called: Breast and ovarian cancer; Hereditary breast and ovarian cancer syndrome; Hereditary breast and ovarian cancer syndrome (HBOC); BRCA1- and BRCA2-Associated Hereditary Breast and Ovarian Cancer; Hereditary breast and ovarian cancer; Hereditary breast and/or ovarian cancer syndrome. Identifiers: Orphanet 145, MedGen C0677776, MeSH D061325, MONDO:0003582. Disease mechanism: loss of function.
Hereditary cancer-predisposing syndrome. Also called: Hereditary Cancer Syndrome; Hereditary neoplastic syndrome; Tumor predisposition; Neoplastic Syndromes, Hereditary. Identifiers: Orphanet 140162, MedGen C0027672, MeSH D009386, MONDO:0015356.

Submissions (2):

Color Diagnostics, LLC DBA Color Health
Classification: Uncertain significance for Hereditary cancer-predisposing syndrome. Last evaluated: 2023-12-04. Review status: criteria provided, single submitter. Criteria: ACMG Guidelines, 2015. Collection method: clinical testing. Allele origin: germline.
Comment: This missense variant replaces threonine with isoleucine at codon 2881 of the BRCA2 protein. Computational prediction suggests that this variant may not impact protein structure and function (internally defined REVEL score threshold <= 0.5, PMID: 27666373). To our knowledge, functional studies have not been reported for this variant. This variant has not been reported in individuals affected with BRCA2-related disorders in the literature. This variant has not been identified in the general population by the Genome Aggregation Database (gnomAD). The available evidence is insufficient to determine the role of this variant in disease conclusively. Therefore, this variant is classified as a Variant of Uncertain Significance.

Labcorp Genetics (formerly Invitae), Labcorp
Classification: Uncertain significance for Hereditary breast ovarian cancer syndrome. Last evaluated: 2023-06-21. Review status: criteria provided, single submitter. Criteria: Invitae Variant Classification Sherloc (09022015). Collection method: clinical testing. Allele origin: germline.
Comment: This sequence change replaces threonine, which is neutral and polar, with isoleucine, which is neutral and non-polar, at codon 2881 of the BRCA2 protein (p.Thr2881Ile). This variant is not present in population databases (gnomAD no frequency). This variant has not been reported in the literature in individuals affected with BRCA2-related conditions. ClinVar contains an entry for this variant (Variation ID: 842664). Advanced modeling of protein sequence and biophysical properties (such as structural, functional, and spatial information, amino acid conservation, physicochemical variation, residue mobility, and thermodynamic stability) performed at Invitae indicates that this missense variant is not expected to disrupt BRCA2 protein function. In summary, the available evidence is currently insufficient to determine the role of this variant in disease. Therefore, it has been classified as a Variant of Uncertain Significance.

NM_000059.4(BRCA2):c.8642C>T (p.Thr2881Ile)

Gene: BRCA2 (BRCA2 DNA repair associated; plus strand). Cytogenetic location: 13q13.1.
Variant type: single nucleotide variant.
Coding change: c.8642C>T on transcript NM_000059.4 (MANE Select); coding-DNA position 8642, C replaced by T.
Protein change: p.Thr2881Ile; replaces threonine 2881 with isoleucine.
Molecular consequence: missense variant.
Genome position (GRCh38, 1-based): chr13:32,376,679, C>T. VCF-style: chr13-32376679-C-T. GRCh37 (hg19) VCF-style: chr13-32950816-C-T.
Other names: short protein forms T2881I.
Identifiers: ClinVar variation 842664 (VCV000842664.14), dbSNP rs2072874203, ClinGen allele CA387754641.
Genomic context (GRCh38, chr13:32,376,679, plus strand): 5'-TTGCTTTTGAATTTACAGTTTAGTGAATTAATAATCCTTTTGTTTTCTTAGAAAACACAA[C>T]AAAACCATATTTACCATCACGTGCACTAACAAGACAGCAAGTTCGTGCTTTGCAAGATGG-3'
Protein context (NP_000050.3, residues 2871-2891): EEFEEHEENT[Thr2881Ile]KPYLPSRALT